The following is an entry in ClinVar:

NM_001379270.1(CNGA1):c.1222G>C (p.Ala408Pro)

Genes: CNGA1 (cyclic nucleotide gated channel subunit alpha 1; minus strand), LOC101927157 (uncharacterized LOC101927157; plus strand). Cytogenetic location: 4p12.
Variant type: single nucleotide variant.
Coding change: c.1222G>C on transcript NM_001379270.1 (MANE Select); coding-DNA position 1222, G replaced by C.
Protein change: p.Ala408Pro; replaces alanine 408 with proline.
Molecular consequence: missense variant.
Genome position (GRCh38, 1-based): chr4:47,937,260, C>G on the plus strand (G>C on the coding strand, the complement: CNGA1 is on the minus strand). VCF-style: chr4-47937260-C-G. GRCh37 (hg19) VCF-style: chr4-47939277-C-G.
Other names: c.1222G>C, p.Ala408Pro (NM_000087.5, NM_001142564.2); short protein forms A408P.
Identifiers: ClinVar variation 1921270 (VCV001921270.4), dbSNP rs2475749946, ClinGen allele CA356826530.

ClinVar aggregate classification (germline): Uncertain significance. Review status: criteria provided, multiple submitters, no conflicts (2 of 4 stars). 2 submissions from 2 submitters: Uncertain significance (2). Last evaluated 2022-11-01.

Submissions (2):

Labcorp Genetics (formerly Invitae), Labcorp
Classification: Uncertain significance. Last evaluated: 2022-11-01. Review status: criteria provided, single submitter. Criteria: Invitae Variant Classification Sherloc (09022015). Collection method: clinical testing. Allele origin: germline.
Comment: In summary, the available evidence is currently insufficient to determine the role of this variant in disease. Therefore, it has been classified as a Variant of Uncertain Significance. Advanced modeling of protein sequence and biophysical properties (such as structural, functional, and spatial information, amino acid conservation, physicochemical variation, residue mobility, and thermodynamic stability) performed at Invitae indicates that this missense variant is not expected to disrupt CNGA1 protein function. This variant has not been reported in the literature in individuals affected with CNGA1-related conditions. This variant is not present in population databases (gnomAD no frequency). This sequence change replaces alanine, which is neutral and non-polar, with proline, which is neutral and non-polar, at codon 412 of the CNGA1 protein (p.Ala412Pro).

Blueprint Genetics
Classification: Uncertain significance. Last evaluated: 2022-09-26. Review status: criteria provided, single submitter. Criteria: ACMG Guidelines, 2015. Collection method: clinical testing. Allele origin: germline.